The following is an entry in ClinVar:

NM_201384.3(PLEC):c.1170-14TGC[5]

Gene: PLEC (plectin; minus strand). Cytogenetic location: 8q24.3.
Variant type: Microsatellite.
Coding change: c.1170-14TGC[5] on transcript NM_201384.3 (MANE Select); five copies in a row of the 3-base unit TGC starting at c.1170-14; the reference has four copies in a row; one copy, 3 bases duplicated.
Molecular consequence: intron variant.
Genome position (GRCh38, 1-based): chr8:143,934,094-143,934,096, GCA duplicated on the plus strand (TGC on the coding strand, the reverse complement: PLEC is on the minus strand); duplicating any 3 consecutive bases within chr8:143,934,094-143,934,105 gives the same sequence; the position shown is the placement nearest the transcript's 3' end. VCF-style (leftmost placement, unchanged base first): chr8-143934093-T-TGCA. GRCh37 (hg19) VCF-style: chr8-145008261-T-TGCA.
Other names: c.1251-14TGC[5] (NM_001410941.1, NM_000445.5); c.1128-14TGC[5] (NM_201378.4); c.1104-14TGC[5] (NM_201379.3); c.1581-14TGC[5] (NM_201380.4); c.1074-14TGC[5] (NM_201381.3); c.1170-14TGC[5] (NM_201382.4); c.1182-14TGC[5] (NM_201383.3).
Identifiers: ClinVar variation 4995317 (VCV004995317.1).

ClinVar aggregate classification (germline): Likely benign (1 of 4 stars; one submission).

Conditions:
PLEC-related disorder. Also called: PLEC-related disorders; PLEC-related condition.

Submission:

PreventionGenetics, part of Exact Sciences
Classification: Likely benign for PLEC-related condition. Last evaluated: 2026-04-11. Review status: criteria provided, single submitter. Criteria: ACMG Guidelines, 2015. Collection method: clinical testing. Allele origin: germline.
Comment: This variant is classified as likely benign based on ACMG/AMP sequence variant interpretation guidelines (Richards et al. 2015 PMID: 25741868, with internal and published modifications).